The following is an entry in ClinVar:

NM_001365536.1(SCN9A):c.2109dup (p.Glu704Ter)

Genes: SCN1A-AS1 (SCN1A and SCN9A antisense RNA 1; plus strand), SCN9A (sodium voltage-gated channel alpha subunit 9; minus strand). Cytogenetic location: 2q24.3.
Variant type: Duplication.
Coding change: c.2109dup on transcript NM_001365536.1 (MANE Select); coding-DNA position 2109, one base duplicated (T; older notation c.2109dupT).
Protein change: p.Glu704Ter; replaces glutamic acid 704 with a stop codon.
Molecular consequence: nonsense. On other transcripts: frameshift variant (1).
Genome position (GRCh38, 1-based): chr2:166,280,591, A duplicated on the plus strand (T on the coding strand, the reverse complement: SCN9A is on the minus strand); the first of 2 consecutive A bases (chr2:166,280,591-166,280,592); duplicating either gives the same sequence. VCF-style (leftmost placement, unchanged base first): chr2-166280590-C-CA. GRCh37 (hg19) VCF-style: chr2-167137100-C-CA.
Other names: c.2075dup, p.Glu693Terfs (NM_002977.4); c.2076dupT (NM_002977.3); short protein forms E704*, E693*.
Identifiers: ClinVar variation 471093 (VCV000471093.12), dbSNP rs779327684, ClinGen allele CA59796737.

ClinVar aggregate classification (germline): Pathogenic/Likely pathogenic. Review status: criteria provided, multiple submitters, no conflicts (2 of 4 stars). 2 submissions from 2 submitters: Pathogenic (1); Likely pathogenic (1). Last evaluated 2026-09-19.

Conditions:
Neuropathy, hereditary sensory and autonomic, type 2A (HSAN2A). Also called: ACROOSTEOLYSIS, GIACCAI TYPE; ACROOSTEOLYSIS, NEUROGENIC; HSAN IIA; MORVAN DISEASE; NEUROPATHY, CONGENITAL SENSORY; NEUROPATHY, HEREDITARY SENSORY RADICULAR, AUTOSOMAL RECESSIVE. Identifiers: Orphanet 970, MedGen C2752089, MONDO:0024309, OMIM 201300.
Generalized epilepsy with febrile seizures plus, type 7 (GEFSP7). Also called: GEFS+, TYPE 7. Identifiers: Orphanet 36387, MedGen C2751778, MONDO:0013470, OMIM 613863.

Submissions (2):

GeneDx
Classification: Likely pathogenic. Last evaluated: 2026-09-19. Review status: criteria provided, single submitter. Criteria: GeneDx Variant Classification Process June 2021. Collection method: clinical testing. Allele origin: germline.
Comment: Reported previously in two brothers with CIP; the brothers were found to have a second SCN9A variant that is likely to be benign (PMID: 17470132); Nonsense variant predicted to result in protein truncation or nonsense mediated decay in a gene for which loss of function is a known mechanism of disease; Not observed at significant frequency in large population cohorts (gnomAD); This variant is associated with the following publications: (PMID: 18370847, 18070140, 25439579, 20212137, 17470132, 31440721)

Labcorp Genetics (formerly Invitae), Labcorp
Classification: Pathogenic for Neuropathy, hereditary sensory and autonomic, type 2A; Generalized epilepsy with febrile seizures plus, type 7. Last evaluated: 2025-04-28. Review status: criteria provided, single submitter. Criteria: Invitae Variant Classification Sherloc (09022015). Collection method: clinical testing. Allele origin: germline.
Comment: This sequence change creates a premature translational stop signal (p.Glu693*) in the SCN9A gene. It is expected to result in an absent or disrupted protein product. Loss-of-function variants in SCN9A are known to be pathogenic (PMID: 17470132, 19304393). This variant is present in population databases (rs779327684, gnomAD 0.001%). This premature translational stop signal has been observed in individual(s) with congenital insensitivity to pain (PMID: 17470132). ClinVar contains an entry for this variant (Variation ID: 471093). For these reasons, this variant has been classified as Pathogenic.

Literature cited by the submitters: PubMed 17470132 (cited by Labcorp Genetics (formerly Invitae), Labcorp); PubMed 19304393 (cited by Labcorp Genetics (formerly Invitae), Labcorp).